The following is an entry in ClinVar:

ClinVar aggregate classification (germline): Uncertain significance (1 of 4 stars; one submission).

Allele frequency attached by ClinVar (database versions not stated): gnomAD 0.00001.
gnomAD v4.1: 4 of 1,602,562 alleles (0.00025%); highest among the groups gnomAD compares: Admixed American, 0.0034%; no homozygotes.

Submission:

Labcorp Genetics (formerly Invitae), Labcorp
Classification: Uncertain significance. Last evaluated: 2021-10-31. Review status: criteria provided, single submitter. Criteria: Invitae Variant Classification Sherloc (09022015). Collection method: clinical testing. Allele origin: germline.
Comment: In summary, the available evidence is currently insufficient to determine the role of this variant in disease. Therefore, it has been classified as a Variant of Uncertain Significance. Variants that disrupt the consensus splice site are a relatively common cause of aberrant splicing (PMID: 17576681, 9536098). Algorithms developed to predict the effect of sequence changes on RNA splicing suggest that this variant is not likely to affect RNA splicing. This variant has not been reported in the literature in individuals affected with SBF1-related conditions. This variant is present in population databases (no rsID available, gnomAD 0.1%). This sequence change falls in intron 25 of the SBF1 gene. It does not directly change the encoded amino acid sequence of the SBF1 protein. It affects a nucleotide within the consensus splice site.

Literature cited by the submitters: PubMed 17576681; PubMed 9536098.

NM_002972.4(SBF1):c.3283+6G>C

Gene: SBF1 (SET binding factor 1; minus strand). Cytogenetic location: 22q13.33.
Variant type: single nucleotide variant.
Coding change: c.3283+6G>C on transcript NM_002972.4 (MANE Select); 6 bases into the intron after coding-DNA position 3283, G replaced by C.
Molecular consequence: intron variant.
Genome position (GRCh38, 1-based): chr22:50,460,266, C>G on the plus strand (G>C on the coding strand, the complement: SBF1 is on the minus strand). VCF-style: chr22-50460266-C-G. GRCh37 (hg19) VCF-style: chr22-50898695-C-G.
Other names: c.3286+6G>C (NM_001365819.1).
Identifiers: ClinVar variation 1478568 (VCV001478568.6), dbSNP rs1298903371, ClinGen allele CA640356189.
Genomic context (GRCh38, chr22:50,460,266, plus strand): 5'-CCCTGATCCTCCCTGGCCAATGTCAGCATCCAGAGACCACCCAGGACTCCACCCCCACCC[C>G]TCCACCTGAGATCTCGTCCTCCTGGTCCTCAGGGGGCGGCTGGCCCCGGTGCTCCCAGCT-3'